The following is an entry in ClinVar:

NM_000257.4(MYH7):c.5782G>A (p.Gly1928Ser)

Gene: MYH7 (myosin heavy chain 7; minus strand). Cytogenetic location: 14q11.2.
Variant type: single nucleotide variant.
Coding change: c.5782G>A on transcript NM_000257.4 (MANE Select); coding-DNA position 5782, G replaced by A.
Protein change: p.Gly1928Ser; replaces glycine 1928 with serine.
Molecular consequence: missense variant.
Genome position (GRCh38, 1-based): chr14:23,413,767, C>T on the plus strand (G>A on the coding strand, the complement: MYH7 is on the minus strand). VCF-style: chr14-23413767-C-T. GRCh37 (hg19) VCF-style: chr14-23882976-C-T.
Other names: c.5782G>A, p.Gly1928Ser (NM_001407004.1); short protein forms G1928S.
Identifiers: ClinVar variation 3070076 (VCV003070076.1), dbSNP rs1469642680, ClinGen allele CA389034493.

ClinVar aggregate classification (germline): Uncertain significance (1 of 4 stars; one submission).

Conditions:
Cardiomyopathy (CMYO). Also called: Cardiomyopathies. Identifiers: Orphanet 167848, MedGen C0878544, MONDO:0004994, HP:0001638. Inheritance: Various modes of inheritance.

Submission:

All of Us Research Program, National Institutes of Health
Classification: Uncertain significance for Cardiomyopathy. Last evaluated: 2023-12-13. Review status: criteria provided, single submitter. Criteria: ACMG Guidelines, 2015. Collection method: clinical testing. Allele origin: germline. Inheritance: Autosomal dominant inheritance. Observed: 2 variant alleles, 2 heterozygotes.
Comment: This missense variant replaces glycine with serine at codon 1928 of the MYH7 protein. Computational prediction suggests that this variant may not impact protein structure and function (internally defined REVEL score threshold <= 0.5, PMID: 27666373). To our knowledge, functional studies have not been reported for this variant. This variant has not been reported in individuals affected with MYH7-related disorders in the literature. This variant has not been identified in the general population by the Genome Aggregation Database (gnomAD). The available evidence is insufficient to determine the role of this variant in disease conclusively. Therefore, this variant is classified as a Variant of Uncertain Significance.

This study involves interpretation of variants in research participants for the purpose of population health screening. Participant phenotype was not available at the time of variant classification. Additional details can be found in publication PMID: 35346344, PMCID: PMC8962531